The following is an entry in ClinVar:

NM_002491.3(NDUFB3):c.241G>T (p.Ala81Ser)

Gene: NDUFB3 (NADH:ubiquinone oxidoreductase subunit B3; plus strand). Cytogenetic location: 2q33.1.
Variant type: single nucleotide variant.
Coding change: c.241G>T on transcript NM_002491.3 (MANE Select); coding-DNA position 241, G replaced by T.
Protein change: p.Ala81Ser; replaces alanine 81 with serine.
Molecular consequence: missense variant.
Genome position (GRCh38, 1-based): chr2:201,085,559, G>T. VCF-style: chr2-201085559-G-T. GRCh37 (hg19) VCF-style: chr2-201950282-G-T.
Other names: c.241G>T, p.Ala81Ser (NM_001257102.2); short protein forms A81S.
Identifiers: ClinVar variation 3372498 (VCV003372498.1).

ClinVar aggregate classification (germline): Uncertain significance (1 of 4 stars; one submission).

Submission:

GeneDx
Classification: Uncertain significance. Last evaluated: 2024-04-15. Review status: criteria provided, single submitter. Criteria: GeneDx Variant Classification Process June 2021. Collection method: clinical testing. Allele origin: germline. Affected: yes.
Comment: Not observed at significant frequency in large population cohorts (gnomAD); In silico analysis indicates that this missense variant does not alter protein structure/function; Has not been previously published as pathogenic or benign to our knowledge